The following is an entry in ClinVar:

NM_003105.6(SORL1):c.5778G>T (p.Lys1926Asn)

Gene: SORL1 (sortilin related receptor 1; plus strand). Cytogenetic location: 11q24.1.
Variant type: single nucleotide variant.
Coding change: c.5778G>T on transcript NM_003105.6 (MANE Select); coding-DNA position 5778, G replaced by T.
Protein change: p.Lys1926Asn; replaces lysine 1926 with asparagine.
Molecular consequence: missense variant.
Genome position (GRCh38, 1-based): chr11:121,619,806, G>T. VCF-style: chr11-121619806-G-T. GRCh37 (hg19) VCF-style: chr11-121490515-G-T.
Other names: c.5778G>T (NM_003105.5); short protein forms K1926N.
Identifiers: ClinVar variation 1980969 (VCV001980969.5), dbSNP rs757649035, ClinGen allele CA6330066.

ClinVar aggregate classification (germline): Uncertain significance. Review status: criteria provided, multiple submitters, no conflicts (2 of 4 stars). 2 submissions from 2 submitters: Uncertain significance (2). Last evaluated 2025-12-13.

Allele frequency attached by ClinVar (database versions not stated): gnomAD exomes 0.00002; ExAC 0.00007; gnomAD 0.00015; TOPMed 0.00021.
gnomAD v4.1: 58 of 1,614,070 alleles (0.0036%); highest among the groups gnomAD compares: Admixed American, 0.053%; 1 homozygote.

Submissions (2):

Labcorp Genetics (formerly Invitae), Labcorp
Classification: Uncertain significance. Last evaluated: 2025-12-13. Review status: criteria provided, single submitter. Criteria: Invitae Variant Classification Sherloc (09022015). Collection method: clinical testing. Allele origin: germline.
Comment: This sequence change replaces lysine, which is basic and polar, with asparagine, which is neutral and polar, at codon 1926 of the SORL1 protein (p.Lys1926Asn). This variant is present in population databases (rs757649035, gnomAD 0.03%). This variant has not been reported in the literature in individuals affected with SORL1-related conditions. ClinVar contains an entry for this variant (Variation ID: 1980969). An algorithm developed to predict the effect of missense changes on protein structure and function (PolyPhen-2) suggests that this variant is likely to be tolerated. In summary, the available evidence is currently insufficient to determine the role of this variant in disease. Therefore, it has been classified as a Variant of Uncertain Significance.

Ambry Genetics
Classification: Uncertain significance. Last evaluated: 2025-05-14. Review status: criteria provided, single submitter. Criteria: Ambry Variant Classification Scheme 2023. Collection method: clinical testing. Allele origin: germline.